The following is an entry in ClinVar:

ClinVar aggregate classification (germline): Uncertain significance (1 of 4 stars; one submission).

Conditions:
Oculovertebral syndrome. Identifiers: MedGen C6065896, MONDO:0979866, OMIM 621277.

Submission:

Dasa
Classification: Uncertain significance for Oculovertebral syndrome. Last evaluated: 2026-01-14. Review status: criteria provided, single submitter. Criteria: DASA Assertion Criteria. Collection method: clinical testing. Allele origin: germline.
Comment: NM_033334.4(NR6A1):c.824+1G>A affects a canonical splice site and is predicted to disrupt normal RNA splicing. This variant is absent from population databases. The currently available literature and clinical evidence are not sufficient to establish a definitive association between this variant and the reported condition. Therefore, this variant is classified as a variant of uncertain significance.

NM_033334.4(NR6A1):c.824+1G>A

Gene: NR6A1 (nuclear receptor subfamily 6 group A member 1; minus strand). Cytogenetic location: 9q33.3.
Variant type: single nucleotide variant.
Coding change: c.824+1G>A on transcript NM_033334.4 (MANE Select); the canonical splice donor site of the intron after coding-DNA position 824, G replaced by A.
Molecular consequence: splice donor variant.
Genome position (GRCh38, 1-based): chr9:124,538,091, C>T on the plus strand (G>A on the coding strand, the complement: NR6A1 is on the minus strand). VCF-style: chr9-124538091-C-T. GRCh37 (hg19) VCF-style: chr9-127300370-C-T.
Other names: c.809+1G>A (NM_001489.5); c.812+1G>A (NM_001278546.2); c.821+1G>A (NM_001410996.1).
Identifiers: ClinVar variation 4881551 (VCV004881551.2).